The following is an entry in ClinVar:

ClinVar aggregate classification (germline): Likely pathogenic (1 of 4 stars; one submission).

Submission:

Labcorp Genetics (formerly Invitae), Labcorp
Classification: Likely pathogenic. Last evaluated: 2022-10-24. Review status: criteria provided, single submitter. Criteria: Invitae Variant Classification Sherloc (09022015). Collection method: clinical testing. Allele origin: germline.
Comment: This variant has not been reported in the literature in individuals affected with CHM-related conditions. In summary, the currently available evidence indicates that the variant is pathogenic, but additional data are needed to prove that conclusively. Therefore, this variant has been classified as Likely Pathogenic. This variant results in the deletion of part of exon 5 (c.315-2566_685del) of the CHM gene. It is expected to disrupt RNA splicing. Variants that disrupt the donor or acceptor splice site typically lead to a loss of protein function (PMID: 16199547), and loss-of-function variants in CHM are known to be pathogenic (PMID: 9067750, 23811034).

Literature cited by the submitters: PubMed 16199547; PubMed 9067750; PubMed 23811034.

NC_000023.10:g.(?_85218687)_(85221623_?)del

Gene: CHM (CHM Rab escort protein; minus strand). Cytogenetic location: Xq21.2.
Variant type: Deletion.
Identifiers: ClinVar variation 2423018 (VCV002423018.4).